The following is an entry in ClinVar:

ClinVar aggregate classification (germline): Conflicting classifications of pathogenicity. Review status: criteria provided, conflicting classifications (1 of 4 stars). 5 submissions from 5 submitters: Pathogenic (2); Likely pathogenic (1); Uncertain significance (1). 1 of the submissions does not count toward it. Last evaluated 2025-09-02.

Conditions:
MFSD8-related disorders.
Neuronal ceroid lipofuscinosis. Also called: Neuronal Ceroid Lipofuscinoses. Identifiers: Orphanet 216, Orphanet 79263, MedGen C0027877, MONDO:0016295. Disease mechanism: loss of function.
Neuronal ceroid lipofuscinosis 7 (CLN7). Also called: MFSD8-Related Neuronal Ceroid-Lipofuscinosis. Identifiers: Orphanet 168491, Orphanet 228366, MedGen C1838571, MONDO:0012588, OMIM 610951.

Allele frequency attached by ClinVar (database versions not stated): gnomAD exomes below 0.00001; TOPMed below 0.00001.
gnomAD v4.1: 2 of 1,614,144 alleles (0.00012%); highest among the groups gnomAD compares: Non-Finnish European, 0.00017%; no homozygotes.

Submissions (5):

Labcorp Genetics (formerly Invitae), Labcorp
Classification: Likely pathogenic for Neuronal ceroid lipofuscinosis 7. Last evaluated: 2025-09-02. Review status: criteria provided, single submitter. Criteria: Invitae Variant Classification Sherloc (09022015). Collection method: clinical testing. Allele origin: germline.
Comment: This sequence change replaces tyrosine, which is neutral and polar, with cysteine, which is neutral and slightly polar, at codon 121 of the MFSD8 protein (p.Tyr121Cys). This variant is not present in population databases (gnomAD no frequency). This missense change has been observed in individual(s) with late infantile neuronal ceroid lipofuscinoses (PMID: 18850119). It has also been observed to segregate with disease in related individuals. ClinVar contains an entry for this variant (Variation ID: 1004). Invitae Evidence Modeling of protein sequence and biophysical properties (such as structural, functional, and spatial information, amino acid conservation, physicochemical variation, residue mobility, and thermodynamic stability) indicates that this missense variant is expected to disrupt MFSD8 protein function with a positive predictive value of 80%. Experimental studies have shown that this missense change does not substantially affect MFSD8 function (PMID: 20826447). In summary, the currently available evidence indicates that the variant is pathogenic, but additional data are needed to prove that conclusively. Therefore, this variant has been classified as Likely Pathogenic.

Women's Health and Genetics/Laboratory Corporation of America, LabCorp
Classification: Pathogenic for Neuronal ceroid lipofuscinosis. Last evaluated: 2024-07-10. Review status: criteria provided, single submitter. Criteria: LabCorp Variant Classification Summary - May 2015. Collection method: clinical testing. Allele origin: germline.
Comment: Variant summary: MFSD8 c.362A>G (p.Tyr121Cys) results in a non-conservative amino acid change located in the Major facilitator superfamily domain (IPR020846) of the encoded protein sequence. Four of five in-silico tools predict a damaging effect of the variant on protein function. The variant was absent in 251318 control chromosomes. c.362A>G has been reported in the literature in multiple homozygous individuals affected with Late Infantile Neuronal Ceroid-Lipofuscinosis (Batten Disease) (Stogmann_2009) and in an individual with clinical features of Neuronal Ceroid-Lipofuscinosis with an unspecified second allele (Lindy_2018). These data indicate that the variant is very likely to be associated with disease. At least one publication reports experimental evidence evaluating an impact on protein function, however, does not allow convincing conclusions about the variant effect (Sharifi_2010). The following publications have been ascertained in the context of this evaluation (PMID: 29655203, 20826447, 18850119). ClinVar contains an entry for this variant (Variation ID: 1004). Based on the evidence outlined above, the variant was classified as pathogenic.

GeneDx
Classification: Uncertain significance. Last evaluated: 2022-05-20. Review status: criteria provided, single submitter. Criteria: GeneDx Variant Classification Process June 2021. Collection method: clinical testing. Allele origin: germline. Affected: yes.
Comment: Identified in a cohort of individuals with epilepsy and neurodevelopmental disorders; however, detailed clinical and segregation data was not provided (Lindy et al., 2018); Published functional studies demonstrate the Y121C variant does not have an effect on protein localization (Sharifi et al, 2010); Not observed at significant frequency in large population cohorts (gnomAD); In silico analysis supports that this missense variant has a deleterious effect on protein structure/function; This variant is associated with the following publications: (PMID: 20826447, 29655203, 18850119)

Blueprint Genetics
Classification: Pathogenic for MFSD8-related disorders. Last evaluated: 2020-04-17. Review status: criteria provided, single submitter. Criteria: ACMG Guidelines, 2015. Collection method: clinical testing. Allele origin: germline. Affected: yes. Observed: 1 variant allele.

OMIM
Classification: Pathogenic for CEROID LIPOFUSCINOSIS, NEURONAL, 7. Last evaluated: 2009-02-01. Review status: no assertion criteria provided. Collection method: literature only. Allele origin: germline. Not counted in ClinVar's aggregate classification.

Literature cited by the submitters: PubMed 18850119 (cited by 3 submitters); PubMed 20826447 (cited by Labcorp Genetics (formerly Invitae), Labcorp and Women's Health and Genetics/Laboratory Corporation of America, LabCorp); PubMed 29655203 (cited by Women's Health and Genetics/Laboratory Corporation of America, LabCorp).

NM_001371596.2(MFSD8):c.362A>G (p.Tyr121Cys)

Gene: MFSD8 (major facilitator superfamily domain containing 8; minus strand). Cytogenetic location: 4q28.2.
Variant type: single nucleotide variant.
Coding change: c.362A>G on transcript NM_001371596.2 (MANE Select); coding-DNA position 362, A replaced by G.
Protein change: p.Tyr121Cys; replaces tyrosine 121 with cysteine.
Molecular consequence: missense variant.
Genome position (GRCh38, 1-based): chr4:127,943,829, T>C on the plus strand (A>G on the coding strand, the complement: MFSD8 is on the minus strand). VCF-style: chr4-127943829-T-C. GRCh37 (hg19) VCF-style: chr4-128864984-T-C.
Other names: p.Y121C:TAT>TGT; c.362A>G, p.Tyr121Cys (NM_001363520.3, NM_001363521.3, NM_001371591.2 and 5 more transcripts); c.227A>G, p.Tyr76Cys (NM_001371590.2, NM_001371595.1, NM_001410765.1); short protein forms Y121C, Y76C.
Identifiers: ClinVar variation 1004 (VCV000001004.12), dbSNP rs118203978, ClinGen allele CA251663.